The following is an entry in ClinVar:

ClinVar aggregate classification (germline): Uncertain significance (1 of 4 stars; one submission).

Conditions:
Oligodontia-cancer predisposition syndrome. Also called: TOOTH AGENESIS-COLORECTAL CANCER SYNDROME. Identifiers: Orphanet 300576, MedGen C1837750, MONDO:0012075, OMIM 608615. Disease mechanism: loss of function.

Allele frequency attached by ClinVar (database versions not stated): gnomAD exomes below 0.00001.

Submission:

Labcorp Genetics (formerly Invitae), Labcorp
Classification: Uncertain significance for Oligodontia-cancer predisposition syndrome. Last evaluated: 2018-11-05. Review status: criteria provided, single submitter. Criteria: Invitae Variant Classification Sherloc (09022015). Collection method: clinical testing. Allele origin: germline.
Comment: This variant is not present in population databases (ExAC no frequency). In summary, the available evidence is currently insufficient to determine the role of this variant in disease. Therefore, it has been classified as a Variant of Uncertain Significance. Algorithms developed to predict the effect of missense changes on protein structure and function (SIFT, PolyPhen-2, Align-GVGD) all suggest that this variant is likely to be tolerated, but these predictions have not been confirmed by published functional studies and their clinical significance is uncertain. This variant has not been reported in the literature in individuals with AXIN2-related disease. This sequence change replaces lysine with arginine at codon 163 of the AXIN2 protein (p.Lys163Arg). The lysine residue is moderately conserved and there is a small physicochemical difference between lysine and arginine.

NM_004655.4(AXIN2):c.488A>G (p.Lys163Arg)

Gene: AXIN2 (axin 2; minus strand). Cytogenetic location: 17q24.1.
Variant type: single nucleotide variant.
Coding change: c.488A>G on transcript NM_004655.4 (MANE Select); coding-DNA position 488, A replaced by G.
Protein change: p.Lys163Arg; replaces lysine 163 with arginine.
Molecular consequence: missense variant.
Genome position (GRCh38, 1-based): chr17:65,558,133, T>C on the plus strand (A>G on the coding strand, the complement: AXIN2 is on the minus strand). VCF-style: chr17-65558133-T-C. GRCh37 (hg19) VCF-style: chr17-63554251-T-C.
Other names: c.488A>G (LRG_296t1); c.488A>G, p.Lys163Arg (NM_001363813.1); short protein forms K163R.
Identifiers: ClinVar variation 654544 (VCV000654544.8), dbSNP rs1598119587, ClinGen allele CA400681206.